The following is an entry in ClinVar:

ClinVar aggregate classification (germline): Uncertain significance. Review status: criteria provided, multiple submitters, no conflicts (2 of 4 stars). 2 submissions from 2 submitters: Uncertain significance (2). Last evaluated 2024-08-27.

Allele frequency attached by ClinVar (database versions not stated): TOPMed below 0.00001; gnomAD 0.00001.
gnomAD v4.1: 165 of 1,209,905 alleles (0.014%); highest among the groups gnomAD compares: Non-Finnish European, 0.018%; no homozygotes.

Submissions (2):

Ambry Genetics
Classification: Uncertain significance. Last evaluated: 2024-08-27. Review status: criteria provided, single submitter. Criteria: Ambry Variant Classification Scheme 2023. Collection method: clinical testing. Allele origin: germline.

Labcorp Genetics (formerly Invitae), Labcorp
Classification: Uncertain significance. Last evaluated: 2022-03-12. Review status: criteria provided, single submitter. Criteria: Invitae Variant Classification Sherloc (09022015). Collection method: clinical testing. Allele origin: germline.
Comment: This sequence change replaces methionine, which is neutral and non-polar, with valine, which is neutral and non-polar, at codon 711 of the DRP2 protein (p.Met711Val). This variant is present in population databases (rs766238702, gnomAD 0.002%). This variant has not been reported in the literature in individuals affected with DRP2-related conditions. Algorithms developed to predict the effect of missense changes on protein structure and function (SIFT, PolyPhen-2, Align-GVGD) all suggest that this variant is likely to be tolerated. Algorithms developed to predict the effect of sequence changes on RNA splicing suggest that this variant may create or strengthen a splice site. In summary, the available evidence is currently insufficient to determine the role of this variant in disease. Therefore, it has been classified as a Variant of Uncertain Significance.

NM_001939.3(DRP2):c.2131A>G (p.Met711Val)

Gene: DRP2 (dystrophin related protein 2; plus strand). Cytogenetic location: Xq22.1.
Variant type: single nucleotide variant.
Coding change: c.2131A>G on transcript NM_001939.3 (MANE Select); coding-DNA position 2131, A replaced by G.
Protein change: p.Met711Val; replaces methionine 711 with valine.
Molecular consequence: missense variant.
Genome position (GRCh38, 1-based): chrX:101,254,875, A>G. VCF-style: chrX-101254875-A-G. GRCh37 (hg19) VCF-style: chrX-100509864-A-G.
Other names: c.1897A>G, p.Met633Val (NM_001171184.2); c.2131A>G (NM_001939.2); short protein forms M633V, M711V.
Identifiers: ClinVar variation 2078505 (VCV002078505.2), dbSNP rs766238702, ClinGen allele CA10472415.